The following is an entry in ClinVar:

ClinVar aggregate classification (germline): Uncertain significance (1 of 4 stars; one submission).

Conditions:
Familial intrahepatic cholestasis. Identifiers: Orphanet 284385, MedGen CN296401, MONDO:0017290.

gnomAD v4.1: 1 of 1,612,050 alleles (0.000062%); highest among the groups gnomAD compares: Non-Finnish European, 0.000085%; no homozygotes.

Submission:

Genomenon, Inc
Classification: Uncertain significance for Familial intrahepatic cholestasis. Last evaluated: 2026-04-14. Review status: criteria provided, single submitter. Criteria: Genomenon Sequence Variant Interpretation Standards - Updated. Collection method: curation. Allele origin: germline. Affected: no.
Comment: ABCB11 p.Val597Met (c.1789G>A) is a missense variant that changes the amino acid at residue 597 from Valine to Methionine. This variant has been reported in the published literature (PMID:22795478;20849526). It is absent or not present at a significant frequency in gnomAD. In silico models predict that this variant is possibly or probably damaging. In conclusion, we classify ABCB11 p.Val597Met (c.1789G>A) as a variant of uncertain significance.

Literature cited by the submitters: PubMed 22795478; PubMed 20849526.

NM_003742.4(ABCB11):c.1789G>A (p.Val597Met)

Gene: ABCB11 (ATP binding cassette subfamily B member 11; minus strand). Cytogenetic location: 2q31.1.
Variant type: single nucleotide variant.
Coding change: c.1789G>A on transcript NM_003742.4 (MANE Select); coding-DNA position 1789, G replaced by A.
Protein change: p.Val597Met; replaces valine 597 with methionine.
Molecular consequence: missense variant.
Genome position (GRCh38, 1-based): chr2:168,970,065, C>T on the plus strand (G>A on the coding strand, the complement: ABCB11 is on the minus strand). VCF-style: chr2-168970065-C-T. GRCh37 (hg19) VCF-style: chr2-169826575-C-T.
Other names: short protein forms V597M.
Identifiers: ClinVar variation 4846210 (VCV004846210.1).